The following is an entry in ClinVar:

NM_014967.5(FAN1):c.1943+1G>A

Gene: FAN1 (FANCD2 and FANCI associated nuclease 1; plus strand). Cytogenetic location: 15q13.3.
Variant type: single nucleotide variant.
Coding change: c.1943+1G>A on transcript NM_014967.5 (MANE Select); the canonical splice donor site of the intron after coding-DNA position 1943, G replaced by A.
Molecular consequence: splice donor variant.
Genome position (GRCh38, 1-based): chr15:30,918,296, G>A. VCF-style: chr15-30918296-G-A. GRCh37 (hg19) VCF-style: chr15-31210499-G-A.
Identifiers: ClinVar variation 3577021 (VCV003577021.2).

ClinVar aggregate classification (germline): Pathogenic/Likely pathogenic. Review status: criteria provided, multiple submitters, no conflicts (2 of 4 stars). 2 submissions from 2 submitters: Pathogenic (1); Likely pathogenic (1). Last evaluated 2025-11-03.

Conditions:
Karyomegalic interstitial nephritis. Identifiers: Orphanet 401996, MedGen C3553774, MONDO:0013898, OMIM 614817.

gnomAD v4.1: 19 of 1,613,830 alleles (0.0012%); highest among the groups gnomAD compares: Admixed American, 0.028%; no homozygotes.

Submissions (2):

Labcorp Genetics (formerly Invitae), Labcorp
Classification: Pathogenic. Last evaluated: 2025-11-03. Review status: criteria provided, single submitter. Criteria: Invitae Variant Classification Sherloc (09022015). Collection method: clinical testing. Allele origin: germline.
Comment: This sequence change affects a donor splice site in intron 6 of the FAN1 gene. It is expected to disrupt RNA splicing. Variants that disrupt the donor or acceptor splice site typically lead to a loss of protein function (PMID: 16199547), and loss-of-function variants in FAN1 are known to be pathogenic (PMID: 22772369). The frequency data for this variant in the population databases is considered unreliable, as metrics indicate poor data quality at this position in the gnomAD database. Disruption of this splice site has been observed in individual(s) with karyomegalic interstitial nephritis (PMID: 37914484). In at least one individual the data is consistent with being in trans (on the opposite chromosome) from a pathogenic variant. ClinVar contains an entry for this variant (Variation ID: 3577021). Algorithms developed to predict the effect of sequence changes on RNA splicing suggest that this variant may disrupt the consensus splice site. For these reasons, this variant has been classified as Pathogenic.

Fulgent Genetics
Classification: Likely pathogenic for Karyomegalic interstitial nephritis. Last evaluated: 2024-02-08. Review status: criteria provided, single submitter. Criteria: ACMG Guidelines, 2015. Collection method: clinical testing. Allele origin: germline.

Literature cited by the submitters: PubMed 16199547 (cited by Labcorp Genetics (formerly Invitae), Labcorp); PubMed 22772369 (cited by Labcorp Genetics (formerly Invitae), Labcorp); PubMed 37914484 (cited by Labcorp Genetics (formerly Invitae), Labcorp).